The following is an entry in ClinVar:

NM_000312.4(PROC):c.325G>A (p.Gly109Ser)

Gene: PROC (protein C, inactivator of coagulation factors Va and VIIIa; plus strand). Cytogenetic location: 2q14.3.
Variant type: single nucleotide variant.
Coding change: c.325G>A on transcript NM_000312.4 (MANE Select); coding-DNA position 325, G replaced by A.
Protein change: p.Gly109Ser; replaces glycine 109 with serine.
Molecular consequence: missense variant. On other transcripts: synonymous variant (1).
Genome position (GRCh38, 1-based): chr2:127,423,096, G>A. VCF-style: chr2-127423096-G-A. GRCh37 (hg19) VCF-style: chr2-128180672-G-A.
Other names: c.508G>A, p.Gly170Ser (NM_001375602.1); c.388G>A, p.Gly130Ser (NM_001375603.1, NM_001375604.1); c.325G>A, p.Gly109Ser (NM_001375605.1, NM_001375608.1, NM_001375611.1 and 1 more transcripts); c.480G>A, p.Thr160= (NM_001375606.1); c.409G>A, p.Gly137Ser (NM_001375607.1); c.301G>A, p.Gly101Ser (NM_001375609.1); c.319G>A, p.Gly107Ser (NM_001375610.1); short protein forms G109S, G137S, G170S, G101S, G130S, G107S.
Identifiers: ClinVar variation 4979036 (VCV004979036.1).
Genomic context (GRCh38, chr2:127,423,096, plus strand): 5'-GGTGACCAGTGCTTGGTCTTGCCCTTGGAGCACCCGTGCGCCAGCCTGTGCTGCGGGCAC[G>A]GCACGTGCATCGACGGCATCGGCAGCTTCAGCTGCGACTGCCGCAGCGGCTGGGAGGGCC-3'
Protein context (NP_000303.1, residues 99-119): HPCASLCCGH[Gly109Ser]TCIDGIGSFS

ClinVar aggregate classification (germline): Uncertain significance (1 of 4 stars; one submission).

Conditions:
PROC-related disorder. Also called: PROC-related condition.

gnomAD v4.1: 3 of 1,611,134 alleles (0.00019%); highest among the groups gnomAD compares: Non-Finnish European, 0.00025%; no homozygotes.

Submission:

PreventionGenetics, part of Exact Sciences
Classification: Uncertain significance for PROC-related condition. Last evaluated: 2026-01-30. Review status: criteria provided, single submitter. Criteria: ACMG Guidelines, 2015. Collection method: clinical testing. Allele origin: germline.
Comment: The PROC c.325G>A variant is predicted to result in the amino acid substitution p.Gly109Ser. To our knowledge, this variant has not been reported in the literature. An alternate substitution of this amino acid residue (p.Gly109Arg) has been reported in individuals with protein C deficiency (see for example: Table S2, Martos et al. 2019. PubMed ID: 31254973). This variant is absent in a large population database (gnomAD). Although we suspect that this variant may be pathogenic, at this time, the clinical significance of this variant is uncertain due to the absence of conclusive functional and genetic evidence.